The following is an entry in ClinVar:

ClinVar aggregate classification (germline): Uncertain significance (1 of 4 stars; one submission).

Submission:

GeneDx
Classification: Uncertain significance. Last evaluated: 2024-09-03. Review status: criteria provided, single submitter. Criteria: GeneDx Variant Classification Process June 2021. Collection method: clinical testing. Allele origin: germline. Affected: yes.
Comment: Not observed at significant frequency in large population cohorts (gnomAD); In silico analysis supports that this missense variant has a deleterious effect on protein structure/function; Has not been previously published as pathogenic or benign to our knowledge

NM_000080.4(CHRNE):c.284T>A (p.Ile95Lys)

Genes: C17orf107 (chromosome 17 open reading frame 107; plus strand), CHRNE (cholinergic receptor nicotinic epsilon subunit; minus strand). Cytogenetic location: 17p13.2.
Variant type: single nucleotide variant.
Coding change: c.284T>A on transcript NM_000080.4 (MANE Select); coding-DNA position 284, T replaced by A.
Protein change: p.Ile95Lys; replaces isoleucine 95 with lysine.
Molecular consequence: missense variant. On other transcripts: 3 prime UTR variant (1).
Genome position (GRCh38, 1-based): chr17:4,902,277, A>T on the plus strand (T>A on the coding strand, the complement: CHRNE is on the minus strand). VCF-style: chr17-4902277-A-T. GRCh37 (hg19) VCF-style: chr17-4805572-A-T.
Other names: c.*1744A>T (NM_001145536.2); short protein forms I95K.
Identifiers: ClinVar variation 3766171 (VCV003766171.1).